The following is an entry in ClinVar:

ClinVar aggregate classification (germline): Uncertain significance (1 of 4 stars; one submission).

Conditions:
Asphyxiating thoracic dystrophy 5 (SRTD5). Also called: SHORT-RIB THORACIC DYSPLASIA 5 WITHOUT POLYDACTYLY; SHORT-RIB THORACIC DYSPLASIA 5 WITH OR WITHOUT POLYDACTYLY. Identifiers: Orphanet 474, MedGen C3280598, MONDO:0013717, OMIM 614376.
Senior-Loken syndrome 8 (SLSN8). Identifiers: Orphanet 3156, MedGen C4225376, MONDO:0014579, OMIM 616307.

Allele frequency attached by ClinVar (database versions not stated): gnomAD exomes below 0.00001; gnomAD 0.00001; TOPMed 0.00001.
gnomAD v4.1: 2 of 1,605,328 alleles (0.00012%); highest among the groups gnomAD compares: African/African-American, 0.0027%; no homozygotes.

Submission:

Labcorp Genetics (formerly Invitae), Labcorp
Classification: Uncertain significance for Senior-Loken syndrome 8; Asphyxiating thoracic dystrophy 5. Last evaluated: 2022-01-11. Review status: criteria provided, single submitter. Criteria: Invitae Variant Classification Sherloc (09022015). Collection method: clinical testing. Allele origin: germline.
Comment: Variants that disrupt the consensus splice site are a relatively common cause of aberrant splicing (PMID: 17576681, 9536098). Algorithms developed to predict the effect of sequence changes on RNA splicing suggest that this variant may disrupt the consensus splice site. This sequence change falls in intron 26 of the WDR19 gene. It does not directly change the encoded amino acid sequence of the WDR19 protein. It affects a nucleotide within the consensus splice site. This variant is not present in population databases (gnomAD no frequency). This variant has not been reported in the literature in individuals affected with WDR19-related conditions. In summary, the available evidence is currently insufficient to determine the role of this variant in disease. Therefore, it has been classified as a Variant of Uncertain Significance.

Literature cited by the submitters: PubMed 17576681; PubMed 9536098.

NM_025132.4(WDR19):c.3001+6T>C

Gene: WDR19 (WD repeat domain 19; plus strand). Cytogenetic location: 4p14.
Variant type: single nucleotide variant.
Coding change: c.3001+6T>C on transcript NM_025132.4 (MANE Select); 6 bases into the intron after coding-DNA position 3001, T replaced by C.
Molecular consequence: intron variant.
Genome position (GRCh38, 1-based): chr4:39,254,036, T>C. VCF-style: chr4-39254036-T-C. GRCh37 (hg19) VCF-style: chr4-39255656-T-C.
Other names: c.2521+6T>C (NM_001317924.2).
Identifiers: ClinVar variation 1420708 (VCV001420708.5), dbSNP rs912115085, ClinGen allele CA95692360.